The following is an entry in ClinVar:

ClinVar aggregate classification (germline): Likely benign (0 of 4 stars; one submission).

Conditions:
TPRKB-related disorder. Also called: TPRKB-related condition.

Allele frequency attached by ClinVar (database versions not stated): gnomAD 0.00001; TOPMed 0.00001; gnomAD exomes 0.00005.
gnomAD v4.1: 66 of 1,569,052 alleles (0.0042%); highest among the groups gnomAD compares: Non-Finnish European, 0.0055%; no homozygotes.

Submission:

PreventionGenetics, part of Exact Sciences
Classification: Likely benign for TPRKB-related condition. Last evaluated: 2022-12-19. Review status: no assertion criteria provided. Collection method: clinical testing. Allele origin: germline.
Comment: This variant is classified as likely benign based on ACMG/AMP sequence variant interpretation guidelines (Richards et al. 2015 PMID: 25741868, with internal and published modifications).

NM_016058.5(TPRKB):c.453C>T (p.Leu151=)

Gene: TPRKB (TP53RK binding protein; minus strand). Cytogenetic location: 2p13.1.
Variant type: single nucleotide variant.
Coding change: c.453C>T on transcript NM_016058.5 (MANE Select); coding-DNA position 453, C replaced by T.
Protein change: p.Leu151=; no amino-acid change (leucine 151 retained).
Molecular consequence: synonymous variant.
Genome position (GRCh38, 1-based): chr2:73,730,018, G>A on the plus strand (C>T on the coding strand, the complement: TPRKB is on the minus strand). VCF-style: chr2-73730018-G-A. GRCh37 (hg19) VCF-style: chr2-73957145-G-A.
Other names: c.570C>T, p.Leu190= (NM_001330386.2, NM_001330387.2); c.453C>T, p.Leu151= (NM_001330388.2, NM_001330389.2); c.399C>T, p.Leu133= (NM_001330390.2); c.354C>T, p.Leu118= (NM_001330391.2, NM_001330392.2).
Identifiers: ClinVar variation 3048816 (VCV003048816.2), dbSNP rs749784962, ClinGen allele CA50344448.